The following is an entry in ClinVar:

ClinVar aggregate classification (germline): Likely pathogenic. Review status: criteria provided, multiple submitters, no conflicts (2 of 4 stars). 2 submissions from 2 submitters: Likely pathogenic (2). Last evaluated 2022-02-08.

Conditions:
Brugada syndrome 8 (BRGDA8). Identifiers: Orphanet 130, MedGen C2751083, MONDO:0013148, OMIM 613123.
HCN4-related disorder. Also called: HCN4-related condition.

Submissions (2):

Labcorp Genetics (formerly Invitae), Labcorp
Classification: Likely pathogenic for Brugada syndrome 8. Last evaluated: 2022-02-08. Review status: criteria provided, single submitter. Criteria: Invitae Variant Classification Sherloc (09022015). Collection method: clinical testing. Allele origin: germline.
Comment: ClinVar contains an entry for this variant (Variation ID: 470654). Disruption of this splice site has been observed in individual(s) with clinical features of HCN4-related conditions (Invitae). It has also been observed to segregate with disease in related individuals. This variant is not present in population databases (gnomAD no frequency). This sequence change affects a donor splice site in intron 7 of the HCN4 gene. It is expected to disrupt RNA splicing. Variants that disrupt the donor or acceptor splice site typically lead to a loss of protein function (PMID: 16199547), however the current clinical and genetic evidence is not sufficient to establish whether loss-of-function variants in HCN4 cause disease. Algorithms developed to predict the effect of sequence changes on RNA splicing suggest that this variant may disrupt the consensus splice site. In summary, the currently available evidence indicates that the variant is pathogenic, but additional data are needed to prove that conclusively. Therefore, this variant has been classified as Likely Pathogenic.

Blueprint Genetics
Classification: Likely pathogenic for HCN4-related disorders. Last evaluated: 2021-08-31. Review status: criteria provided, single submitter. Criteria: ACMG Guidelines, 2015. Collection method: clinical testing. Allele origin: germline. Affected: yes. Observed: 1 variant allele.

Literature cited by the submitters: PubMed 16199547 (cited by Labcorp Genetics (formerly Invitae), Labcorp).

NM_005477.3(HCN4):c.2143+1G>A

Gene: HCN4 (hyperpolarization activated cyclic nucleotide gated potassium channel 4; minus strand). Cytogenetic location: 15q24.1.
Variant type: single nucleotide variant.
Coding change: c.2143+1G>A on transcript NM_005477.3 (MANE Select); the canonical splice donor site of the intron after coding-DNA position 2143, G replaced by A.
Molecular consequence: splice donor variant.
Genome position (GRCh38, 1-based): chr15:73,324,088, C>T on the plus strand (G>A on the coding strand, the complement: HCN4 is on the minus strand). VCF-style: chr15-73324088-C-T. GRCh37 (hg19) VCF-style: chr15-73616429-C-T.
Identifiers: ClinVar variation 470654 (VCV000470654.12), dbSNP rs1555475434, ClinGen allele CA393089784.
Genomic context (GRCh38, chr15:73,324,088, plus strand): 5'-GAGCCCTGCCCTCCTCCCCCAACACCCCCCACCTGCCCCGCCTGTGGCCCCTCCCCCTCA[C>T]CAATGCGGTCCAGGCGGTCCAGCGCCACGGTCTCGAAGGCCCTTCGCATCATGGGGTACT-3'